The following is an entry in ClinVar:

ClinVar aggregate classification (germline): Uncertain significance. Review status: criteria provided, multiple submitters, no conflicts (2 of 4 stars). 2 submissions from 2 submitters: Uncertain significance (2). Last evaluated 2022-06-01.

Conditions:
Epidermolysis bullosa simplex with nail dystrophy (EBS5D). Identifiers: MedGen C4225309, MONDO:0014661, OMIM 616487.
Epidermolysis bullosa simplex 5B, with muscular dystrophy (EBS5B). Also called: EPIDERMOLYSIS BULLOSA SIMPLEX AND LIMB-GIRDLE MUSCULAR DYSTROPHY; Epidermolysis bullosa simplex with muscular dystrophy. Identifiers: Orphanet 257, MedGen C2931072, MONDO:0009181, OMIM 226670.
Epidermolysis bullosa simplex, Ogna type (EBS5A). Also called: Pidermolysis bullosa simplex 5A, Ogna type; EPIDERMOLYSIS BULLOSA SIMPLEX 5A, OGNA TYPE. Identifiers: Orphanet 79401, MedGen C0432317, MONDO:0007555, OMIM 131950.
Autosomal recessive limb-girdle muscular dystrophy type 2Q (LGMDR17). Also called: MUSCULAR DYSTROPHY, LIMB-GIRDLE, AUTOSOMAL RECESSIVE 17. Identifiers: Orphanet 254361, MedGen C3150989, MONDO:0013390, OMIM 613723.
Epidermolysis bullosa simplex 5C, with pyloric atresia (EBS5C). Also called: PLEC-Related Epidermolysis Bullosa with Pyloric Atresia; Epidermolysis bullosa simplex with pyloric atresia; PLEC1-Related Epidermolysis Bullosa with Pyloric Atresia. Identifiers: Orphanet 158684, MedGen C2677349, MONDO:0012807, OMIM 612138.

Allele frequency attached by ClinVar (database versions not stated): gnomAD exomes below 0.00001.
gnomAD v4.1: 5 of 1,607,796 alleles (0.00031%); highest among the groups gnomAD compares: Non-Finnish European, 0.00034%; no homozygotes.

Submissions (2):

Labcorp Genetics (formerly Invitae), Labcorp
Classification: Uncertain significance for Autosomal recessive limb-girdle muscular dystrophy type 2Q; Epidermolysis bullosa simplex, Ogna type; Epidermolysis bullosa simplex with nail dystrophy; Epidermolysis bullosa simplex 5C, with pyloric atresia; Epidermolysis bullosa simplex 5B, with muscular dystrophy. Last evaluated: 2022-06-01. Review status: criteria provided, single submitter. Criteria: Invitae Variant Classification Sherloc (09022015). Collection method: clinical testing. Allele origin: germline.
Comment: This sequence change replaces serine, which is neutral and polar, with phenylalanine, which is neutral and non-polar, at codon 4280 of the PLEC protein (p.Ser4280Phe). This variant is not present in population databases (gnomAD no frequency). This variant has not been reported in the literature in individuals affected with PLEC-related conditions. ClinVar contains an entry for this variant (Variation ID: 538920). Algorithms developed to predict the effect of missense changes on protein structure and function (SIFT, PolyPhen-2, Align-GVGD) all suggest that this variant is likely to be disruptive. In summary, the available evidence is currently insufficient to determine the role of this variant in disease. Therefore, it has been classified as a Variant of Uncertain Significance.

Revvity Omics, Revvity
Classification: Uncertain significance. Last evaluated: 2021-06-01. Review status: criteria provided, single submitter. Criteria: ACMG Guidelines, 2015. Collection method: clinical testing. Allele origin: germline.

NM_201384.3(PLEC):c.12758C>T (p.Ser4253Phe)

Gene: PLEC (plectin; minus strand). Cytogenetic location: 8q24.3.
Variant type: single nucleotide variant.
Coding change: c.12758C>T on transcript NM_201384.3 (MANE Select); coding-DNA position 12758, C replaced by T.
Protein change: p.Ser4253Phe; replaces serine 4253 with phenylalanine.
Molecular consequence: missense variant.
Genome position (GRCh38, 1-based): chr8:143,917,063, G>A on the plus strand (C>T on the coding strand, the complement: PLEC is on the minus strand). VCF-style: chr8-143917063-G-A. GRCh37 (hg19) VCF-style: chr8-144991231-G-A.
Other names: c.12839C>T, p.Ser4280Phe (NM_000445.5); c.12716C>T, p.Ser4239Phe (NM_201378.4); c.12692C>T, p.Ser4231Phe (NM_201379.3); c.13169C>T, p.Ser4390Phe (NM_201380.4); c.12662C>T, p.Ser4221Phe (NM_201381.3); c.12758C>T, p.Ser4253Phe (NM_201382.4); c.12770C>T, p.Ser4257Phe (NM_201383.3); short protein forms S4231F, S4257F, S4280F, S4239F, S4253F, S4390F, S4221F.
Identifiers: ClinVar variation 538920 (VCV000538920.11), dbSNP rs1554670852, ClinGen allele CA372479074.